The following is an entry in ClinVar:

NM_024426.6(WT1):c.163G>T (p.Ala55Ser)

Genes: WT1 (WT1 transcription factor; minus strand), LOC107982234 (WT1/WT1-AS bi-directional promoter region; plus strand). Cytogenetic location: 11p13.
Variant type: single nucleotide variant.
Coding change: c.163G>T on transcript NM_024426.6 (MANE Select); coding-DNA position 163, G replaced by T.
Protein change: p.Ala55Ser; replaces alanine 55 with serine.
Molecular consequence: missense variant. On other transcripts: non-coding transcript variant (1).
Genome position (GRCh38, 1-based): chr11:32,435,198, C>A on the plus strand (G>T on the coding strand, the complement: WT1 is on the minus strand). VCF-style: chr11-32435198-C-A. GRCh37 (hg19) VCF-style: chr11-32456744-C-A.
Other names: c.163G>T, p.Ala55Ser (NM_000378.6, NM_001407044.1, NM_001407045.1 and 6 more transcripts); c.148G>T, p.Ala50Ser (NM_024425.2); c.148G>T (NM_024426.4); short protein forms A55S, A50S.
Identifiers: ClinVar variation 1937697 (VCV001937697.7), dbSNP rs1853472865, ClinGen allele CA379966250.
Genomic context (GRCh38, chr11:32,435,198, plus strand): 5'-CCATTTGCTGCGGCTCAGACCCGGACGCCCCGCGGCTCCTCCGGCCCTGGAGACGTTCAG[C>A]GCTGGCCTCGGCGGCGCCTAACTTGGCCCAGATGCCGCCCGGGTCCCGGACTCCCTGCTG-3'
Protein context (NP_077744.4, residues 45-65): WAKLGAAEAS[Ala55Ser]ERLQGRRSRG

ClinVar aggregate classification (germline): Uncertain significance. Review status: criteria provided, multiple submitters, no conflicts (2 of 4 stars). 4 submissions from 4 submitters: Uncertain significance (4). Last evaluated 2026-01-26.

Conditions:
Frasier syndrome. Identifiers: Orphanet 347, MedGen C0950122, MeSH D052159, MONDO:0007635, OMIM 136680.
Drash syndrome (DDS). Also called: NEPHROPATHY, WILMS TUMOR, AND GENITAL ANOMALIES; WILMS TUMOR AND PSEUDO- OR TRUE HERMAPHRODITISM. Identifiers: Orphanet 220, MedGen C0950121, MONDO:0008682, OMIM 194080.
Wilms tumor 1 (WT1). Also called: Wilms tumor, somatic. Identifiers: Orphanet 654, MedGen CN033288, MONDO:0008679, OMIM 194070.
11p partial monosomy syndrome (WAGR). Also called: WAGR syndrome; WAGR Complex; CHROMOSOME 11p13 DELETION SYNDROME; WAGR Spectrum Disorder. Identifiers: Orphanet 893, MedGen C0206115, MONDO:0008681, OMIM 194072.
Inborn genetic diseases. Identifiers: MedGen C0950123, MeSH D030342.

Allele frequency attached by ClinVar (database versions not stated): gnomAD 0.00001.

Submissions (4):

GeneDx
Classification: Uncertain significance. Last evaluated: 2026-01-26. Review status: criteria provided, single submitter. Criteria: GeneDx Variant Classification Process June 2021. Collection method: clinical testing. Allele origin: germline.
Comment: Not observed at significant frequency in large population cohorts (gnomAD); In silico analysis suggests that this missense variant does not alter protein structure/function; Has not been previously published as pathogenic or benign to our knowledge

Ambry Genetics
Classification: Uncertain significance for Inborn genetic diseases. Last evaluated: 2025-06-16. Review status: criteria provided, single submitter. Criteria: Ambry Variant Classification Scheme 2023. Collection method: clinical testing. Allele origin: germline.
Comment: The p.A50S variant (also known as c.148G>T), located in coding exon 1 of the WT1 gene, results from a G to T substitution at nucleotide position 148. The alanine at codon 50 is replaced by serine, an amino acid with similar properties. This amino acid position is conserved. In addition, this alteration is predicted to be tolerated by in silico analysis. Based on the available evidence, the clinical significance of this variant remains unclear.

All of Us Research Program, National Institutes of Health
Classification: Uncertain significance for Wilms tumor 1. Last evaluated: 2023-06-26. Review status: criteria provided, single submitter. Criteria: ACMG Guidelines, 2015. Collection method: clinical testing. Allele origin: germline. Inheritance: Autosomal dominant inheritance. Observed: 1 variant allele, 1 heterozygote.
Comment: This missense variant replaces alanine with serine at codon 50 of the WT1 protein. Computational prediction suggests that this variant may not impact protein structure and function (internally defined REVEL score threshold <= 0.5, PMID: 27666373). To our knowledge, functional studies have not been reported for this variant. This variant has not been reported in individuals affected with WT1-related disorders in the literature. This variant has not been identified in the general population by the Genome Aggregation Database (gnomAD). The available evidence is insufficient to determine the role of this variant in disease conclusively. Therefore, this variant is classified as a Variant of Uncertain Significance.

This study involves interpretation of variants in research participants for the purpose of population health screening. Participant phenotype was not available at the time of variant classification. Additional details can be found in publication PMID: 35346344, PMCID: PMC8962531

Labcorp Genetics (formerly Invitae), Labcorp
Classification: Uncertain significance for Wilms tumor 1; Drash syndrome; 11p partial monosomy syndrome; Frasier syndrome. Last evaluated: 2022-10-13. Review status: criteria provided, single submitter. Criteria: Invitae Variant Classification Sherloc (09022015). Collection method: clinical testing. Allele origin: germline.
Comment: In summary, the available evidence is currently insufficient to determine the role of this variant in disease. Therefore, it has been classified as a Variant of Uncertain Significance. Algorithms developed to predict the effect of missense changes on protein structure and function output the following: SIFT: "Tolerated"; PolyPhen-2: "Benign"; Align-GVGD: "Class C0". The serine amino acid residue is found in multiple mammalian species, which suggests that this missense change does not adversely affect protein function. This variant has not been reported in the literature in individuals affected with WT1-related conditions. This variant is not present in population databases (gnomAD no frequency). This sequence change replaces alanine, which is neutral and non-polar, with serine, which is neutral and polar, at codon 50 of the WT1 protein (p.Ala50Ser).